The following is an entry in ClinVar:

NM_006206.6(PDGFRA):c.683G>C (p.Gly228Ala)

Gene: PDGFRA (platelet derived growth factor receptor alpha; plus strand). Cytogenetic location: 4q12.
Variant type: single nucleotide variant.
Coding change: c.683G>C on transcript NM_006206.6 (MANE Select); coding-DNA position 683, G replaced by C.
Protein change: p.Gly228Ala; replaces glycine 228 with alanine.
Molecular consequence: missense variant.
Genome position (GRCh38, 1-based): chr4:54,264,973, G>C. VCF-style: chr4-54264973-G-C. GRCh37 (hg19) VCF-style: chr4-55131140-G-C.
Other names: c.683G>C, p.Gly228Ala (NM_001347827.2, NM_001347829.2); c.758G>C, p.Gly253Ala (NM_001347828.2); c.722G>C, p.Gly241Ala (NM_001347830.2); short protein forms G241A, G228A, G253A.
Identifiers: ClinVar variation 3930203 (VCV003930203.1).

ClinVar aggregate classification (germline): Uncertain significance (1 of 4 stars; one submission).

Conditions:
Hereditary cancer-predisposing syndrome. Also called: Tumor predisposition; Hereditary neoplastic syndrome; Hereditary Cancer Syndrome; Neoplastic Syndromes, Hereditary. Identifiers: Orphanet 140162, MedGen C0027672, MeSH D009386, MONDO:0015356.

Submission:

Ambry Genetics
Classification: Uncertain significance for Hereditary cancer-predisposing syndrome. Last evaluated: 2025-04-14. Review status: criteria provided, single submitter. Criteria: Ambry Variant Classification Scheme 2023. Collection method: clinical testing. Allele origin: germline.
Comment: The p.G228A variant (also known as c.683G>C), located in coding exon 4 of the PDGFRA gene, results from a G to C substitution at nucleotide position 683. The glycine at codon 228 is replaced by alanine, an amino acid with similar properties. This amino acid position is conserved. In addition, this alteration is predicted to be deleterious by in silico analysis. Based on the available evidence, the clinical significance of this variant remains unclear.